The following is an entry in ClinVar:

ClinVar aggregate classification (germline): Uncertain significance (1 of 4 stars; one submission).

Conditions:
Peroxisome biogenesis disorder. Identifiers: Orphanet 79189, MedGen C1832200, MONDO:0019234. Disease mechanism: loss of function.

Allele frequency attached by ClinVar (database versions not stated): gnomAD exomes below 0.00001.
gnomAD v4.1: 2 of 1,614,102 alleles (0.00012%); highest among the groups gnomAD compares: East Asian, 0.0022%; no homozygotes.

Submission:

Labcorp Genetics (formerly Invitae), Labcorp
Classification: Uncertain significance for Peroxisome biogenesis disorder. Last evaluated: 2022-08-06. Review status: criteria provided, single submitter. Criteria: Invitae Variant Classification Sherloc (09022015). Collection method: clinical testing. Allele origin: germline.
Comment: This sequence change replaces glutamic acid, which is acidic and polar, with lysine, which is basic and polar, at codon 558 of the PEX6 protein (p.Glu558Lys). This variant is present in population databases (no rsID available, gnomAD 0.0009%). This variant has not been reported in the literature in individuals affected with PEX6-related conditions. Algorithms developed to predict the effect of missense changes on protein structure and function output the following: SIFT: "Tolerated"; PolyPhen-2: "Benign"; Align-GVGD: "Class C0". The lysine amino acid residue is found in multiple mammalian species, which suggests that this missense change does not adversely affect protein function. In summary, the available evidence is currently insufficient to determine the role of this variant in disease. Therefore, it has been classified as a Variant of Uncertain Significance.

NM_000287.4(PEX6):c.1672G>A (p.Glu558Lys)

Gene: PEX6 (peroxisomal biogenesis factor 6; minus strand). Cytogenetic location: 6p21.1.
Variant type: single nucleotide variant.
Coding change: c.1672G>A on transcript NM_000287.4 (MANE Select); coding-DNA position 1672, G replaced by A.
Protein change: p.Glu558Lys; replaces glutamic acid 558 with lysine.
Molecular consequence: missense variant. On other transcripts: non-coding transcript variant (1).
Genome position (GRCh38, 1-based): chr6:42,968,306, C>T on the plus strand (G>A on the coding strand, the complement: PEX6 is on the minus strand). VCF-style: chr6-42968306-C-T. GRCh37 (hg19) VCF-style: chr6-42936044-C-T.
Other names: c.1408G>A, p.Glu470Lys (NM_001316313.2); short protein forms E470K, E558K.
Identifiers: ClinVar variation 1948804 (VCV001948804.2), dbSNP rs1346178903, ClinGen allele CA364154055.